The following is an entry in ClinVar:

ClinVar aggregate classification (germline): Conflicting classifications of pathogenicity. Review status: criteria provided, conflicting classifications (1 of 4 stars). 13 submissions from 13 submitters: Uncertain significance (1); Benign (4); Likely benign (3). 5 of the submissions do not count toward it. Last evaluated 2026-01-19.

Conditions:
Cardiovascular phenotype. Identifiers: MedGen CN230736.
Myofibrillar myopathy 4. Also called: Zaspopathy (type). Identifiers: Orphanet 98912, MedGen C4721886, MONDO:0012277, OMIM 609452.

Allele frequency attached by ClinVar (database versions not stated): ESP Exome Variant Server 0.00008; gnomAD 0.00040 and 0.00051; TOPMed 0.00060; 1000 Genomes Project 0.00080; gnomAD exomes 0.00091; 1000 Genomes Project 30x 0.00094; ExAC 0.00096.
gnomAD v4.1: 1,029 of 1,611,962 alleles (0.064%); highest among the groups gnomAD compares: South Asian, 0.34%; 4 homozygotes.

Submissions (13):

Labcorp Genetics (formerly Invitae), Labcorp
Classification: Benign for Myofibrillar myopathy 4. Last evaluated: 2026-01-19. Review status: criteria provided, single submitter. Criteria: Invitae Variant Classification Sherloc (09022015). Collection method: clinical testing. Allele origin: germline.

ARUP Laboratories, Molecular Genetics and Genomics, ARUP Laboratories
Classification: Likely benign. Last evaluated: 2024-11-05. Review status: criteria provided, single submitter. Criteria: ARUP Molecular Germline Variant Investigation Process 2024. Collection method: clinical testing. Allele origin: germline.

Blueprint Genetics
Classification: Likely benign. Last evaluated: 2024-10-30. Review status: criteria provided, single submitter. Criteria: ACMG Guidelines, 2015. Collection method: clinical testing. Allele origin: germline.

CeGaT Center for Human Genetics Tuebingen
Classification: Benign. Last evaluated: 2024-05-01. Review status: criteria provided, single submitter. Criteria: CeGaT Center For Human Genetics Tuebingen Variant Classification Criteria Version 2. Collection method: clinical testing. Allele origin: germline. Affected: yes. Observed: 2 variant alleles.
Comment: LDB3: BS1, BS2

Ambry Genetics
Classification: Likely benign for Cardiovascular phenotype. Last evaluated: 2017-02-10. Review status: criteria provided, single submitter. Criteria: Ambry Variant Classification Scheme 2023. Collection method: clinical testing. Allele origin: germline.

Eurofins Ntd Llc (ga)
Classification: Uncertain significance. Last evaluated: 2016-09-30. Review status: criteria provided, single submitter. Criteria: EGL Classification Definitions 2015. Collection method: clinical testing. Allele origin: germline. Observed: 1 variant allele, 1 heterozygote.

Laboratory for Molecular Medicine, Mass General Brigham Personalized Medicine
Classification: Benign. Last evaluated: 2015-04-04. Review status: criteria provided, single submitter. Criteria: LMM Criteria. Collection method: clinical testing. Allele origin: germline. Observed: 6 variant alleles.
Comment: p.Thr257Thr in exon 9 of LDB3: This variant is not expected to have clinical sig nificance because it does not alter an amino acid residue, is not located within the splice consensus sequence, and has been identified in 0.3% (52/16506) of So uth Asian chromosomes by the Exome Aggregation Consortium (ExAC; dbSNP rs144445130).

GeneDx
Classification: Benign. Last evaluated: 2014-04-21. Review status: criteria provided, single submitter. Criteria: GeneDx Variant Classification (06012015). Collection method: clinical testing. Allele origin: germline. Affected: yes.
Comment: This variant is considered likely benign or benign based on one or more of the following criteria: it is a conservative change, it occurs at a poorly conserved position in the protein, it is predicted to be benign by multiple in silico algorithms, and/or has population frequency not consistent with disease.

Clinical Genetics DNA and cytogenetics Diagnostics Lab, Erasmus MC, Erasmus Medical Center
Classification: Likely benign. Review status: no assertion criteria provided. Collection method: clinical testing. Allele origin: germline. Affected: yes. Study: VKGL Data-share Consensus. Not counted in ClinVar's aggregate classification.

Clinical Genetics, Academic Medical Center
Classification: Benign. Review status: no assertion criteria provided. Collection method: clinical testing. Allele origin: germline. Affected: yes. Study: VKGL Data-share Consensus. Not counted in ClinVar's aggregate classification.

Diagnostic Laboratory, Department of Genetics, University Medical Center Groningen
Classification: Likely benign. Review status: no assertion criteria provided. Collection method: clinical testing. Allele origin: germline. Affected: yes. Study: VKGL Data-share Consensus. Not counted in ClinVar's aggregate classification.

Genome Diagnostics Laboratory, University Medical Center Utrecht
Classification: Likely benign. Review status: no assertion criteria provided. Collection method: clinical testing. Allele origin: germline. Affected: yes. Study: VKGL Data-share Consensus. Not counted in ClinVar's aggregate classification.

Joint Genome Diagnostic Labs from Nijmegen and Maastricht, Radboudumc and MUMC+
Classification: Likely benign. Review status: no assertion criteria provided. Collection method: clinical testing. Allele origin: germline. Affected: yes. Study: VKGL Data-share Consensus. Not counted in ClinVar's aggregate classification.

NM_001368067.1(LDB3):c.771G>A (p.Thr257=)

Gene: LDB3 (LIM domain binding 3; plus strand). Cytogenetic location: 10q23.2.
Variant type: single nucleotide variant.
Coding change: c.771G>A on transcript NM_001368067.1 (MANE Plus Clinical); coding-DNA position 771, G replaced by A.
Protein change: p.Thr257=; no amino-acid change (threonine 257 retained).
Molecular consequence: synonymous variant. On other transcripts: intron variant (6).
Genome position (GRCh38, 1-based): chr10:86,699,293, G>A. VCF-style: chr10-86699293-G-A. GRCh37 (hg19) VCF-style: chr10-88459050-G-A.
Other names: p.T372T:ACG>ACA; c.771G>A, p.Thr257= (NM_001080116.1, NM_001368068.1); c.912G>A, p.Thr304= (NM_001080115.2, NM_001368063.1); c.1116G>A, p.Thr372= (NM_001171611.2); c.896+6722G>A (NM_001368064.1, NM_007078.3, NM_001368065.1); c.1100+6722G>A (NM_001171610.2); c.755+6722G>A (NM_001368066.1, NM_001080114.2).
Identifiers: ClinVar variation 43884 (VCV000043884.57), dbSNP rs144445130, ClinGen allele CA282338.